The following is an entry in ClinVar:

NM_152296.5(ATP1A3):c.1884C>A (p.Asn628Lys)

Gene: ATP1A3 (ATPase Na+/K+ transporting subunit alpha 3; minus strand). Cytogenetic location: 19q13.2.
Variant type: single nucleotide variant.
Coding change: c.1884C>A on transcript NM_152296.5 (MANE Select); coding-DNA position 1884, C replaced by A.
Protein change: p.Asn628Lys; replaces asparagine 628 with lysine.
Molecular consequence: missense variant.
Genome position (GRCh38, 1-based): chr19:41,977,995, G>T on the plus strand (C>A on the coding strand, the complement: ATP1A3 is on the minus strand). VCF-style: chr19-41977995-G-T. GRCh37 (hg19) VCF-style: chr19-42482147-G-T.
Other names: c.1923C>A, p.Asn641Lys (NM_001256214.2); c.1884C>A (NM_152296.3); c.1917C>A, p.Asn639Lys (NM_001256213.2); short protein forms N628K, N639K, N641K.
Identifiers: ClinVar variation 1015218 (VCV001015218.9), dbSNP rs144130986, ClinGen allele CA406045004.

ClinVar aggregate classification (germline): Uncertain significance. Review status: criteria provided, multiple submitters, no conflicts (2 of 4 stars). 2 submissions from 2 submitters: Uncertain significance (2). Last evaluated 2024-06-05.

Conditions:
Inborn genetic diseases. Identifiers: MedGen C0950123, MeSH D030342.
Dystonia 12 (DYT12). Also called: Rapid-Onset Dystonia-Parkinsonism (RDP); DYT-ATP1A3. Identifiers: Orphanet 71517, MedGen C1868681, MONDO:0007496, OMIM 128235.

Submissions (2):

Ambry Genetics
Classification: Uncertain significance for Inborn genetic diseases. Last evaluated: 2024-06-05. Review status: criteria provided, single submitter. Criteria: Ambry Variant Classification Scheme 2023. Collection method: clinical testing. Allele origin: germline.

Labcorp Genetics (formerly Invitae), Labcorp
Classification: Uncertain significance for Dystonia 12. Last evaluated: 2023-02-20. Review status: criteria provided, single submitter. Criteria: Invitae Variant Classification Sherloc (09022015). Collection method: clinical testing. Allele origin: germline.
Comment: Advanced modeling of protein sequence and biophysical properties (such as structural, functional, and spatial information, amino acid conservation, physicochemical variation, residue mobility, and thermodynamic stability) has been performed at Invitae for this missense variant, however the output from this modeling did not meet the statistical confidence thresholds required to predict the impact of this variant on ATP1A3 protein function. In summary, the available evidence is currently insufficient to determine the role of this variant in disease. Therefore, it has been classified as a Variant of Uncertain Significance. ClinVar contains an entry for this variant (Variation ID: 1015218). This variant has not been reported in the literature in individuals affected with ATP1A3-related conditions. This variant is not present in population databases (gnomAD no frequency). This sequence change replaces asparagine, which is neutral and polar, with lysine, which is basic and polar, at codon 628 of the ATP1A3 protein (p.Asn628Lys).